The following is an entry in ClinVar:

ClinVar aggregate classification (germline): Uncertain significance. Review status: criteria provided, multiple submitters, no conflicts (2 of 4 stars). 3 submissions from 3 submitters: Uncertain significance (3). Last evaluated 2025-04-10.

Conditions:
Arrhythmogenic cardiomyopathy with wooly hair and keratoderma. Also called: PALMOPLANTAR KERATODERMA WITH LEFT VENTRICULAR CARDIOMYOPATHY AND WOOLLY HAIR; Carvajal syndrome; Dilated cardiomyopathy with woolly hair and keratoderma; Arrhythmogenic cardiomyopathy with woolly hair and keratoderma. Identifiers: Orphanet 65282, MedGen C1854063, MONDO:0011581, OMIM 605676.
Arrhythmogenic right ventricular dysplasia 8 (ARVD8). Also called: ARRHYTHMOGENIC RIGHT VENTRICULAR DYSPLASIA, FAMILIAL, 8; ARRHYTHMOGENIC RIGHT VENTRICULAR CARDIOMYOPATHY 8; Arrhythmogenic Right Ventricular Dysplasia/Cardiomyopathy 8. Identifiers: MedGen C1843896, MONDO:0011831, OMIM 607450.

Allele frequency attached by ClinVar (database versions not stated): gnomAD exomes below 0.00001; TOPMed below 0.00001.
gnomAD v4.1: 2 of 1,614,070 alleles (0.00012%); highest among the groups gnomAD compares: Non-Finnish European, 0.00017%; no homozygotes.

Submissions (3):

Labcorp Genetics (formerly Invitae), Labcorp
Classification: Uncertain significance for Arrhythmogenic cardiomyopathy with wooly hair and keratoderma; Arrhythmogenic right ventricular dysplasia 8. Last evaluated: 2025-04-10. Review status: criteria provided, single submitter. Criteria: Invitae Variant Classification Sherloc (09022015). Collection method: clinical testing. Allele origin: germline.
Comment: This sequence change replaces lysine, which is basic and polar, with glutamic acid, which is acidic and polar, at codon 653 of the DSP protein (p.Lys653Glu). This variant is present in population databases (no rsID available, gnomAD 0.0009%). This variant has not been reported in the literature in individuals affected with DSP-related conditions. ClinVar contains an entry for this variant (Variation ID: 3071878). An algorithm developed to predict the effect of missense changes on protein structure and function (PolyPhen-2) suggests that this variant is likely to be tolerated. In summary, the available evidence is currently insufficient to determine the role of this variant in disease. Therefore, it has been classified as a Variant of Uncertain Significance.

Mayo Clinic Laboratories, Mayo Clinic
Classification: Uncertain significance. Last evaluated: 2025-01-05. Review status: criteria provided, single submitter. Criteria: ACMG Guidelines, 2015. Collection method: clinical testing. Allele origin: germline. Observed: 1 variant allele.
Comment: BP4, PM2_supporting

All of Us Research Program, National Institutes of Health
Classification: Uncertain significance for Arrhythmogenic cardiomyopathy with wooly hair and keratoderma. Last evaluated: 2023-11-20. Review status: criteria provided, single submitter. Criteria: ACMG Guidelines, 2015. Collection method: clinical testing. Allele origin: germline. Inheritance: Autosomal dominant inheritance. Observed: 2 variant alleles, 2 heterozygotes.
Comment: This missense variant replaces lysine with glutamic acid at codon 653 of the DSP protein. Computational prediction suggests that this variant may not impact protein structure and function (internally defined REVEL score threshold <= 0.5, PMID: 27666373). To our knowledge, functional studies have not been reported for this variant. This variant has not been reported in individuals affected with DSP-related disorders in the literature. This variant has been identified in 1/251048 chromosomes in the general population by the Genome Aggregation Database (gnomAD). The available evidence is insufficient to determine the role of this variant in disease conclusively. Therefore, this variant is classified as a Variant of Uncertain Significance.

This study involves interpretation of variants in research participants for the purpose of population health screening. Participant phenotype was not available at the time of variant classification. Additional details can be found in publication PMID: 35346344, PMCID: PMC8962531

NM_004415.4(DSP):c.1957A>G (p.Lys653Glu)

Gene: DSP (desmoplakin; plus strand). Cytogenetic location: 6p24.3.
Variant type: single nucleotide variant.
Coding change: c.1957A>G on transcript NM_004415.4 (MANE Select); coding-DNA position 1957, A replaced by G.
Protein change: p.Lys653Glu; replaces lysine 653 with glutamic acid.
Molecular consequence: missense variant.
Genome position (GRCh38, 1-based): chr6:7,571,895, A>G. VCF-style: chr6-7571895-A-G. GRCh37 (hg19) VCF-style: chr6-7572128-A-G.
Other names: p.Lys653Glu; c.1957A>G, p.Lys653Glu (NM_001008844.3, NM_001319034.2); short protein forms K653E.
Identifiers: ClinVar variation 3071878 (VCV003071878.3), dbSNP rs1005394880, ClinGen allele CA133960326.